The following is an entry in ClinVar:

NM_013437.5(LRP12):c.1522C>A (p.Leu508Ile)

Gene: LRP12 (LDL receptor related protein 12; minus strand). Cytogenetic location: 8q22.3.
Variant type: single nucleotide variant.
Coding change: c.1522C>A on transcript NM_013437.5 (MANE Select); coding-DNA position 1522, C replaced by A.
Protein change: p.Leu508Ile; replaces leucine 508 with isoleucine.
Molecular consequence: missense variant.
Genome position (GRCh38, 1-based): chr8:104,497,030, G>T on the plus strand (C>A on the coding strand, the complement: LRP12 is on the minus strand). VCF-style: chr8-104497030-G-T. GRCh37 (hg19) VCF-style: chr8-105509258-G-T.
Other names: c.1465C>A, p.Leu489Ile (NM_001135703.3); short protein forms L508I, L489I.
Identifiers: ClinVar variation 5000001 (VCV005000001.1).

ClinVar aggregate classification (germline): Uncertain significance (1 of 4 stars; one submission).

Conditions:
LRP12-related disorder. Also called: LRP12-related condition.

Submission:

PreventionGenetics, part of Exact Sciences
Classification: Uncertain significance for LRP12-related condition. Last evaluated: 2025-07-03. Review status: criteria provided, single submitter. Criteria: ACMG Guidelines, 2015. Collection method: clinical testing. Allele origin: germline.
Comment: The LRP12 c.1522C>A variant is predicted to result in the amino acid substitution p.Leu508Ile. To our knowledge, this variant has not been reported in the literature or in a large population database (gnomAD), indicating this variant is rare. At this time, the clinical significance of this variant is uncertain due to the absence of conclusive functional and genetic evidence.